The following is an entry in ClinVar:

ClinVar aggregate classification (germline): Pathogenic. Review status: criteria provided, multiple submitters, no conflicts (2 of 4 stars). 2 submissions from 2 submitters: Pathogenic (2). Last evaluated 2025-10-30.

Conditions:
Joubert syndrome 6 (JBTS6). Identifiers: Orphanet 475, MedGen C1853153, MONDO:0012539, OMIM 610688.
Bardet-Biedl syndrome 14 (BBS14). Identifiers: Orphanet 110, MedGen C2673874, MONDO:0014442, OMIM 615991.
Nephronophthisis 11 (NPHP11). Identifiers: Orphanet 84081, MedGen C3150796, MONDO:0013302, OMIM 613550.
COACH syndrome 1. Identifiers: Orphanet 1454, MedGen C5435651, MONDO:0800103, OMIM 216360, MONDO:0008996.
Meckel syndrome, type 3 (MKS3). Also called: MECKEL-GRUBER SYNDROME, TYPE 3. Identifiers: Orphanet 564, MedGen C1846357, MONDO:0011821, OMIM 607361.
RHYNS syndrome. Also called: RETINITIS PIGMENTOSA SYNDROME; RETINITIS PIGMENTOSA, HYPOPITUITARISM, NEPHRONOPHTHISIS, AND MILD SKELETAL DYSPLASIA. Identifiers: Orphanet 140976, MedGen C1865794, MONDO:0011202, OMIM 602152.
Joubert syndrome. Also called: CEREBELLOPARENCHYMAL DISORDER IV; JOUBERT-BOLTSHAUSER SYNDROME; Familial aplasia of the vermis. Identifiers: Orphanet 475, MedGen C5979921, MONDO:0018772.
Meckel-Gruber syndrome. Also called: DYSENCEPHALIA SPLANCHNOCYSTICA; GRUBER SYNDROME; Dysencephalia splachnocystica. Identifiers: Orphanet 564, MedGen C0265215, MONDO:0018921.

Allele frequency attached by ClinVar (database versions not stated): ExAC 0.00001; ESP Exome Variant Server 0.00008.
gnomAD v4.1: 2 of 1,612,156 alleles (0.00012%); highest among the groups gnomAD compares: Non-Finnish European, 0.00017%; no homozygotes.

Submissions (2):

Labcorp Genetics (formerly Invitae), Labcorp
Classification: Pathogenic for Joubert syndrome; Meckel-Gruber syndrome. Last evaluated: 2025-10-30. Review status: criteria provided, single submitter. Criteria: Invitae Variant Classification Sherloc (09022015). Collection method: clinical testing. Allele origin: germline.
Comment: This sequence change creates a premature translational stop signal (p.Gln429*) in the TMEM67 gene. It is expected to result in an absent or disrupted protein product. Loss-of-function variants in TMEM67 are known to be pathogenic (PMID: 20232449, 23559409). This variant is not present in population databases (gnomAD no frequency). This premature translational stop signal has been observed in individual(s) with TMEM67-related conditions (PMID: 20232449). ClinVar contains an entry for this variant (Variation ID: 2925437). For these reasons, this variant has been classified as Pathogenic.

Fulgent Genetics
Classification: Pathogenic for COACH syndrome 1; RHYNS syndrome; Meckel syndrome, type 3; Joubert syndrome 6; Nephronophthisis 11; Bardet-Biedl syndrome 14. Last evaluated: 2024-05-02. Review status: criteria provided, single submitter. Criteria: ACMG Guidelines, 2015. Collection method: clinical testing. Allele origin: germline.

Literature cited by the submitters: PubMed 20232449 (cited by Labcorp Genetics (formerly Invitae), Labcorp); PubMed 23559409 (cited by Labcorp Genetics (formerly Invitae), Labcorp).

NM_153704.6(TMEM67):c.1285C>T (p.Gln429Ter)

Gene: TMEM67 (transmembrane protein 67; plus strand). Cytogenetic location: 8q22.1.
Variant type: single nucleotide variant.
Coding change: c.1285C>T on transcript NM_153704.6 (MANE Select); coding-DNA position 1285, C replaced by T.
Protein change: p.Gln429Ter; replaces glutamine 429 with a stop codon.
Molecular consequence: nonsense. On other transcripts: non-coding transcript variant (1).
Genome position (GRCh38, 1-based): chr8:93,785,375, C>T. VCF-style: chr8-93785375-C-T. GRCh37 (hg19) VCF-style: chr8-94797603-C-T.
Other names: c.1042C>T, p.Gln348Ter (NM_001142301.1); short protein forms Q348*, Q429*.
Identifiers: ClinVar variation 2925437 (VCV002925437.4), dbSNP rs371672760, ClinGen allele CA4807912.